The following is an entry in ClinVar:

ClinVar aggregate classification (germline): Uncertain significance (1 of 4 stars; one submission).

Conditions:
Developmental and epileptic encephalopathy 94 (DEE94). Also called: Epileptic encephalopathy, childhood-onset; CHD2-Related Neurodevelopmental Disorders. Identifiers: Orphanet 1942, Orphanet 2382, MedGen C3809278, MONDO:0014150, OMIM 615369.

gnomAD v4.1: 2 of 1,612,506 alleles (0.00012%); highest among the groups gnomAD compares: East Asian, 0.0022%; no homozygotes.

Submission:

Labcorp Genetics (formerly Invitae), Labcorp
Classification: Uncertain significance for Developmental and epileptic encephalopathy 94. Last evaluated: 2026-01-19. Review status: criteria provided, single submitter. Criteria: Invitae Variant Classification Sherloc (09022015). Collection method: clinical testing. Allele origin: germline.
Comment: This sequence change falls in intron 7 of the CHD2 gene. It does not directly change the encoded amino acid sequence of the CHD2 protein. It affects a nucleotide within the consensus splice site. This variant is present in population databases (rs183427060, gnomAD 0.006%). This variant has not been reported in the literature in individuals affected with CHD2-related conditions. ClinVar contains an entry for this variant (Variation ID: 3721184). Variants that disrupt the consensus splice site are a relatively common cause of aberrant splicing (PMID: 17576681, 9536098). Algorithms developed to predict the effect of sequence changes on RNA splicing suggest that this variant is not likely to affect RNA splicing. In summary, the available evidence is currently insufficient to determine the role of this variant in disease. Therefore, it has been classified as a Variant of Uncertain Significance.

Literature cited by the submitters: PubMed 17576681; PubMed 9536098.

NM_001271.4(CHD2):c.692+5G>C

Gene: CHD2 (chromodomain helicase DNA binding protein 2; plus strand). Cytogenetic location: 15q26.1.
Variant type: single nucleotide variant.
Coding change: c.692+5G>C on transcript NM_001271.4 (MANE Select); 5 bases into the intron after coding-DNA position 692, G replaced by C.
Molecular consequence: intron variant.
Genome position (GRCh38, 1-based): chr15:92,939,723, G>C. VCF-style: chr15-92939723-G-C. GRCh37 (hg19) VCF-style: chr15-93482953-G-C.
Other names: c.692+5G>C (NM_001042572.3).
Identifiers: ClinVar variation 3721184 (VCV003721184.2).